The following is an entry in ClinVar:

NM_001458.5(FLNC):c.2981G>T (p.Gly994Val)

Gene: FLNC (filamin C; plus strand). Cytogenetic location: 7q32.1.
Variant type: single nucleotide variant.
Coding change: c.2981G>T on transcript NM_001458.5 (MANE Select); coding-DNA position 2981, G replaced by T.
Protein change: p.Gly994Val; replaces glycine 994 with valine.
Molecular consequence: missense variant.
Genome position (GRCh38, 1-based): chr7:128,844,055, G>T. VCF-style: chr7-128844055-G-T. GRCh37 (hg19) VCF-style: chr7-128484109-G-T.
Other names: c.2981G>T, p.Gly994Val (NM_001127487.2); short protein forms G994V.
Identifiers: ClinVar variation 2060469 (VCV002060469.4), dbSNP rs2536635439, ClinGen allele CA369193822.
Genomic context (GRCh38, chr7:128,844,055, plus strand): 5'-TCCACGCAGAGGTGGCTGTGGGACAGGAACAAGCATTCTCTGTGAACACACGAGGGGCTG[G>T]CGGTCAGGGCCAACTGGATGTGCGGATGACTTCGCCCTCTCGCCGGCCCATCCCCTGCAA-3'
Protein context (NP_001449.3, residues 984-1004): QAFSVNTRGA[Gly994Val]GQGQLDVRMT

ClinVar aggregate classification (germline): Uncertain significance (1 of 4 stars; one submission).

Conditions:
Myofibrillar myopathy 5. Also called: Filaminopathy (type); FILAMINOPATHY, AUTOSOMAL DOMINANT. Identifiers: Orphanet 171445, MedGen C1836050, MONDO:0012289, OMIM 609524.
Hypertrophic cardiomyopathy 26. Also called: Cardiomyopathy, familial hypertrophic, 26. Identifiers: Orphanet 75249, MedGen C4310749, MONDO:0014883, OMIM 617047.
Distal myopathy with posterior leg and anterior hand involvement. Also called: WILLIAMS DISTAL MYOPATHY. Identifiers: Orphanet 63273, MedGen C3279722, MONDO:0013550, OMIM 614065.

Submission:

Labcorp Genetics (formerly Invitae), Labcorp
Classification: Uncertain significance for Distal myopathy with posterior leg and anterior hand involvement; Myofibrillar myopathy 5; Hypertrophic cardiomyopathy 26. Last evaluated: 2022-06-08. Review status: criteria provided, single submitter. Criteria: Invitae Variant Classification Sherloc (09022015). Collection method: clinical testing. Allele origin: germline.
Comment: In summary, the available evidence is currently insufficient to determine the role of this variant in disease. Therefore, it has been classified as a Variant of Uncertain Significance. Algorithms developed to predict the effect of missense changes on protein structure and function are either unavailable or do not agree on the potential impact of this missense change (SIFT: "Deleterious"; PolyPhen-2: "Probably Damaging"; Align-GVGD: "Class C0"). This variant has not been reported in the literature in individuals affected with FLNC-related conditions. This variant is not present in population databases (gnomAD no frequency). This sequence change replaces glycine, which is neutral and non-polar, with valine, which is neutral and non-polar, at codon 994 of the FLNC protein (p.Gly994Val).